The following is an entry in ClinVar:

ClinVar aggregate classification (germline): Uncertain significance (1 of 4 stars; one submission).

Allele frequency attached by ClinVar (database versions not stated): TOPMed 0.00001.

Submission:

Labcorp Genetics (formerly Invitae), Labcorp
Classification: Uncertain significance. Last evaluated: 2022-09-01. Review status: criteria provided, single submitter. Criteria: Invitae Variant Classification Sherloc (09022015). Collection method: clinical testing. Allele origin: germline.
Comment: In summary, the available evidence is currently insufficient to determine the role of this variant in disease. Therefore, it has been classified as a Variant of Uncertain Significance. Algorithms developed to predict the effect of missense changes on protein structure and function output the following: SIFT: "Tolerated"; PolyPhen-2: "Benign"; Align-GVGD: "Class C0". The alanine amino acid residue is found in multiple mammalian species, which suggests that this missense change does not adversely affect protein function. ClinVar contains an entry for this variant (Variation ID: 1495377). This variant has not been reported in the literature in individuals affected with LAMC3-related conditions. This variant is not present in population databases (gnomAD no frequency). This sequence change replaces threonine, which is neutral and polar, with alanine, which is neutral and non-polar, at codon 764 of the LAMC3 protein (p.Thr764Ala).

NM_006059.4(LAMC3):c.2290A>G (p.Thr764Ala)

Gene: LAMC3 (laminin subunit gamma 3; plus strand). Cytogenetic location: 9q34.12.
Variant type: single nucleotide variant.
Coding change: c.2290A>G on transcript NM_006059.4 (MANE Select); coding-DNA position 2290, A replaced by G.
Protein change: p.Thr764Ala; replaces threonine 764 with alanine.
Molecular consequence: missense variant.
Genome position (GRCh38, 1-based): chr9:131,061,166, A>G. VCF-style: chr9-131061166-A-G. GRCh37 (hg19) VCF-style: chr9-133936553-A-G.
Other names: short protein forms T764A.
Identifiers: ClinVar variation 1495377 (VCV001495377.6), dbSNP rs970904962, ClinGen allele CA200711041.
Genomic context (GRCh38, chr9:131,061,166, plus strand): 5'-CCTTTCGCGGGCCAAGCCGACGACTGCCAGCCCTGTCCCTGCCCTGGCCAGTCGGCCTGT[A>G]CGACCATCCCAGAGAGCCGGGAGGTGGTGTGTACCCACTGCCCCCCGGGCCAGAGAGGTA-3'
Protein context (NP_006050.3, residues 754-774): PCPCPGQSAC[Thr764Ala]TIPESREVVC